The following is an entry in ClinVar:

NM_004928.3(CFAP410):c.642+165G>A

Gene: CFAP410 (cilia and flagella associated protein 410; minus strand). Cytogenetic location: 21q22.3.
Variant type: single nucleotide variant.
Coding change: c.642+165G>A on transcript NM_004928.3 (MANE Select); 165 bases into the intron after coding-DNA position 642, G replaced by A.
Molecular consequence: intron variant. On other transcripts: synonymous variant (1).
Genome position (GRCh38, 1-based): chr21:44,330,658, C>T on the plus strand (G>A on the coding strand, the complement: CFAP410 is on the minus strand). VCF-style: chr21-44330658-C-T. GRCh37 (hg19) VCF-style: chr21-45750541-C-T.
Other names: c.804G>A, p.Gly268= (NM_001271441.2); c.639+165G>A (NM_001271440.2); c.516+165G>A (NM_001271442.1).
Identifiers: ClinVar variation 3047171 (VCV003047171.3), dbSNP rs534478718, ClinGen allele CA321782320.

ClinVar aggregate classification (germline): Likely benign. Review status: criteria provided, single submitter (1 of 4 stars). 2 submissions from 2 submitters: Likely benign (1). 1 of the submissions does not count toward it. Last evaluated 2022-09-30.

Conditions:
CFAP410-related disorder. Also called: CFAP410-related condition.

Allele frequency attached by ClinVar (database versions not stated): gnomAD exomes 0.00001; gnomAD 0.00003; TOPMed 0.00004; 1000 Genomes Project 0.00020; 1000 Genomes Project 30x 0.00031.
gnomAD v4.1: 23 of 1,549,938 alleles (0.0015%); highest among the groups gnomAD compares: Admixed American, 0.027%; no homozygotes.

Submissions (2):

Blueprint Genetics
Classification: Likely benign. Last evaluated: 2022-09-30. Review status: criteria provided, single submitter. Criteria: ACMG Guidelines, 2015. Collection method: clinical testing. Allele origin: germline.

PreventionGenetics, part of Exact Sciences
Classification: Likely benign for CFAP410-related condition. Last evaluated: 2020-08-18. Review status: no assertion criteria provided. Collection method: clinical testing. Allele origin: germline. Not counted in ClinVar's aggregate classification.
Comment: This variant is classified as likely benign based on ACMG/AMP sequence variant interpretation guidelines (Richards et al. 2015 PMID: 25741868, with internal and published modifications).